The following is an entry in ClinVar:

NM_001854.4(COL11A1):c.3013G>C (p.Glu1005Gln)

Gene: COL11A1 (collagen type XI alpha 1 chain; minus strand). Cytogenetic location: 1p21.1.
Variant type: single nucleotide variant.
Coding change: c.3013G>C on transcript NM_001854.4 (MANE Select); coding-DNA position 3013, G replaced by C.
Protein change: p.Glu1005Gln; replaces glutamic acid 1005 with glutamine.
Molecular consequence: missense variant. On other transcripts: non-coding transcript variant (1).
Genome position (GRCh38, 1-based): chr1:102,962,664, C>G on the plus strand (G>C on the coding strand, the complement: COL11A1 is on the minus strand). VCF-style: chr1-102962664-C-G. GRCh37 (hg19) VCF-style: chr1-103428220-C-G.
Other names: c.2896G>C, p.Glu966Gln (NM_001190709.2); c.3049G>C, p.Glu1017Gln (NM_080629.3); c.2665G>C, p.Glu889Gln (NM_080630.4); short protein forms E1005Q, E1017Q, E889Q, E966Q.
Identifiers: ClinVar variation 4772538 (VCV004772538.1).
Genomic context (GRCh38, chr1:102,962,664, plus strand): 5'-CATAAATTAAAGTTTTGGGCCAAAAAAAGTTTTCTGAAGCATGTTGTACCTTTGCACCTT[C>G]TTTTCCTGCAGCACCAGGAAGACCTTGCTCACCAGGAGGGCCAGGAGGGCCAGGATGCCC-3'
Protein context (NP_001845.3, residues 995-1015): EQGLPGAAGK[Glu1005Gln]GAKGDPGPQG

ClinVar aggregate classification (germline): Uncertain significance (1 of 4 stars; one submission).

Submission:

Labcorp Genetics (formerly Invitae), Labcorp
Classification: Uncertain significance. Last evaluated: 2025-10-21. Review status: criteria provided, single submitter. Criteria: Invitae Variant Classification Sherloc (09022015). Collection method: clinical testing. Allele origin: germline.
Comment: This sequence change replaces glutamic acid, which is acidic and polar, with glutamine, which is neutral and polar, at codon 1005 of the COL11A1 protein (p.Glu1005Gln). This variant is not present in population databases (gnomAD no frequency). This variant has not been reported in the literature in individuals affected with COL11A1-related conditions. Invitae Evidence Modeling of protein sequence and biophysical properties (such as structural, functional, and spatial information, amino acid conservation, physicochemical variation, residue mobility, and thermodynamic stability) has been performed for this missense variant. However, the output from this modeling did not meet the statistical confidence thresholds required to predict the impact of this variant on COL11A1 protein function. In summary, the available evidence is currently insufficient to determine the role of this variant in disease. Therefore, it has been classified as a Variant of Uncertain Significance.